The following is an entry in ClinVar:

NM_024408.4(NOTCH2):c.4005G>C (p.Pro1335=)

Gene: NOTCH2 (notch receptor 2; minus strand). Cytogenetic location: 1p12.
Variant type: single nucleotide variant.
Coding change: c.4005G>C on transcript NM_024408.4 (MANE Select); coding-DNA position 4005, G replaced by C.
Protein change: p.Pro1335=; no amino-acid change (proline 1335 retained).
Molecular consequence: synonymous variant.
Genome position (GRCh38, 1-based): chr1:119,926,499, C>G on the plus strand (G>C on the coding strand, the complement: NOTCH2 is on the minus strand). VCF-style: chr1-119926499-C-G. GRCh37 (hg19) VCF-style: chr1-120469122-C-G.
Identifiers: ClinVar variation 4713949 (VCV004713949.1).

ClinVar aggregate classification (germline): Uncertain significance (1 of 4 stars; one submission).

Conditions:
Hajdu-Cheney syndrome (HJCYS). Also called: ACROOSTEOLYSIS WITH OSTEOPOROSIS AND CHANGES IN SKULL AND MANDIBLE; Acroosteolysis dominant type; SERPENTINE FIBULA-POLYCYSTIC KIDNEY SYNDROME. Identifiers: Orphanet 955, MedGen C0917715, MONDO:0007057, OMIM 102500.

Submission:

Labcorp Genetics (formerly Invitae), Labcorp
Classification: Uncertain significance for Hajdu-Cheney syndrome. Last evaluated: 2025-06-09. Review status: criteria provided, single submitter. Criteria: Invitae Variant Classification Sherloc (09022015). Collection method: clinical testing. Allele origin: germline.
Comment: This sequence change affects codon 1335 of the NOTCH2 mRNA. It is a 'silent' change, meaning that it does not change the encoded amino acid sequence of the NOTCH2 protein. This variant also falls at the last nucleotide of exon 24, which is part of the consensus splice site for this exon. This variant is not present in population databases (gnomAD no frequency). This variant has not been reported in the literature in individuals affected with NOTCH2-related conditions. Variants that disrupt the consensus splice site are a relatively common cause of aberrant splicing (PMID: 17576681, 9536098). Algorithms developed to predict the effect of sequence changes on RNA splicing suggest that this variant may disrupt the consensus splice site. In summary, the available evidence is currently insufficient to determine the role of this variant in disease. Therefore, it has been classified as a Variant of Uncertain Significance.

Literature cited by the submitters: PubMed 17576681; PubMed 9536098.